The following is an entry in ClinVar:

NM_001003694.2(BRPF1):c.29T>C (p.Phe10Ser)

Gene: BRPF1 (bromodomain and PHD finger containing 1; plus strand). Cytogenetic location: 3p25.3.
Variant type: single nucleotide variant.
Coding change: c.29T>C on transcript NM_001003694.2 (MANE Select); coding-DNA position 29, T replaced by C.
Protein change: p.Phe10Ser; replaces phenylalanine 10 with serine.
Molecular consequence: missense variant. On other transcripts: non-coding transcript variant (1).
Genome position (GRCh38, 1-based): chr3:9,734,169, T>C. VCF-style: chr3-9734169-T-C. GRCh37 (hg19) VCF-style: chr3-9775853-T-C.
Other names: c.29T>C, p.Phe10Ser (NM_001319049.2, NM_001319050.2, NM_001410704.1 and 1 more transcripts); short protein forms F10S.
Identifiers: ClinVar variation 3360019 (VCV003360019.1).

ClinVar aggregate classification (germline): Uncertain significance (1 of 4 stars; one submission).

Submission:

GeneDx
Classification: Uncertain significance. Last evaluated: 2023-06-20. Review status: criteria provided, single submitter. Criteria: GeneDx Variant Classification Process June 2021. Collection method: clinical testing. Allele origin: germline. Affected: yes.
Comment: Not observed at significant frequency in large population cohorts (gnomAD); In silico analysis supports that this missense variant has a deleterious effect on protein structure/function; Has not been previously published as pathogenic or benign to our knowledge